The following is an entry in ClinVar:

ClinVar aggregate classification (germline): Uncertain significance. Review status: criteria provided, multiple submitters, no conflicts (2 of 4 stars). 2 submissions from 2 submitters: Uncertain significance (2). Last evaluated 2024-05-23.

Conditions:
Inborn genetic diseases. Identifiers: MedGen C0950123, MeSH D030342.

Allele frequency attached by ClinVar (database versions not stated): TOPMed below 0.00001.

Submissions (2):

Labcorp Genetics (formerly Invitae), Labcorp
Classification: Uncertain significance. Last evaluated: 2024-05-23. Review status: criteria provided, single submitter. Criteria: Invitae Variant Classification Sherloc (09022015). Collection method: clinical testing. Allele origin: germline.
Comment: This sequence change replaces methionine, which is neutral and non-polar, with isoleucine, which is neutral and non-polar, at codon 833 of the LRP5 protein (p.Met833Ile). This variant is not present in population databases (gnomAD no frequency). This variant has not been reported in the literature in individuals affected with LRP5-related conditions. ClinVar contains an entry for this variant (Variation ID: 2299766). Advanced modeling of protein sequence and biophysical properties (such as structural, functional, and spatial information, amino acid conservation, physicochemical variation, residue mobility, and thermodynamic stability) performed at Invitae indicates that this missense variant is not expected to disrupt LRP5 protein function with a negative predictive value of 95%. In summary, the available evidence is currently insufficient to determine the role of this variant in disease. Therefore, it has been classified as a Variant of Uncertain Significance.

Ambry Genetics
Classification: Uncertain significance for Inborn genetic diseases. Last evaluated: 2022-07-05. Review status: criteria provided, single submitter. Criteria: Ambry Variant Classification Scheme 2023. Collection method: clinical testing. Allele origin: germline.

NM_002335.4(LRP5):c.2499G>A (p.Met833Ile)

Gene: LRP5 (LDL receptor related protein 5; plus strand). Cytogenetic location: 11q13.2.
Variant type: single nucleotide variant.
Coding change: c.2499G>A on transcript NM_002335.4 (MANE Select); coding-DNA position 2499, G replaced by A.
Protein change: p.Met833Ile; replaces methionine 833 with isoleucine.
Molecular consequence: missense variant.
Genome position (GRCh38, 1-based): chr11:68,411,616, G>A. VCF-style: chr11-68411616-G-A. GRCh37 (hg19) VCF-style: chr11-68179084-G-A.
Other names: c.756G>A, p.Met252Ile (NM_001291902.2); short protein forms M252I, M833I.
Identifiers: ClinVar variation 2299766 (VCV002299766.4), dbSNP rs1367306434, ClinGen allele CA381617354.